The following is an entry in ClinVar:

ClinVar aggregate classification (germline): Uncertain significance (1 of 4 stars; one submission).

Conditions:
Hereditary cancer-predisposing syndrome. Also called: Tumor predisposition; Neoplastic Syndromes, Hereditary; Hereditary Cancer Syndrome; Hereditary neoplastic syndrome. Identifiers: Orphanet 140162, MedGen C0027672, MeSH D009386, MONDO:0015356.

Submission:

Ambry Genetics
Classification: Uncertain significance for Hereditary cancer-predisposing syndrome. Last evaluated: 2024-12-20. Review status: criteria provided, single submitter. Criteria: Ambry Variant Classification Scheme 2023. Collection method: clinical testing. Allele origin: germline.
Comment: The p.C824S variant (also known as c.2471G>C), located in coding exon 5 of the PALB2 gene, results from a G to C substitution at nucleotide position 2471. The cysteine at codon 824 is replaced by serine, an amino acid with dissimilar properties. This amino acid position is conserved. In addition, this alteration is predicted to be tolerated by in silico analysis. Based on the available evidence, the clinical significance of this variant remains unclear.

NM_024675.4(PALB2):c.2471G>C (p.Cys824Ser)

Gene: PALB2 (partner and localizer of BRCA2; minus strand). Cytogenetic location: 16p12.2.
Variant type: single nucleotide variant.
Coding change: c.2471G>C on transcript NM_024675.4 (MANE Select); coding-DNA position 2471, G replaced by C.
Protein change: p.Cys824Ser; replaces cysteine 824 with serine.
Molecular consequence: missense variant. On other transcripts: intron variant (1).
Genome position (GRCh38, 1-based): chr16:23,629,683, C>G on the plus strand (G>C on the coding strand, the complement: PALB2 is on the minus strand). VCF-style: chr16-23629683-C-G. GRCh37 (hg19) VCF-style: chr16-23641004-C-G.
Other names: c.2411G>C, p.Cys804Ser (NM_001407296.1); c.2471G>C, p.Cys824Ser (NM_001407297.1, NM_001407298.1, NM_001407299.1 and 3 more transcripts); c.1586G>C, p.Cys529Ser (NM_001407304.1, NM_001407305.1, NM_001407306.1 and 5 more transcripts); c.683G>C, p.Cys228Ser (NM_001407312.1, NM_001407313.1); c.49-408G>C (NM_001407314.1); short protein forms C228S, C804S, C529S, C824S.
Identifiers: ClinVar variation 3885189 (VCV003885189.1).